The following is an entry in ClinVar:

ClinVar aggregate classification (germline): Pathogenic/Likely pathogenic. Review status: criteria provided, multiple submitters, no conflicts (2 of 4 stars). 2 submissions from 2 submitters: Pathogenic (1); Likely pathogenic (1). Last evaluated 2021-06-23.

Conditions:
Autosomal recessive limb-girdle muscular dystrophy type 2O. Also called: MUSCULAR DYSTROPHY-DYSTROGLYCANOPATHY (LIMB-GIRDLE), TYPE C, 3; MUSCULAR DYSTROPHY-DYSTROGLYCANOPATHY, LIMB-GIRDLE, POMGNT1-RELATED; Limb-Girdle Muscular Dystrophy Type 3C. Identifiers: Orphanet 206564, MedGen C3150417, MONDO:0013161, OMIM 613157.
Muscular dystrophy-dystroglycanopathy (congenital with impaired intellectual development), type B, 3. Also called: MUSCULAR DYSTROPHY, CONGENITAL, POMGNT1-RELATED; Muscular dystrophy-dystroglycanopathy (congenital with intellectual disability), type B3. Identifiers: MedGen C3150412, MONDO:0013155, OMIM 613151.

Submissions (2):

Labcorp Genetics (formerly Invitae), Labcorp
Classification: Pathogenic for Autosomal recessive limb-girdle muscular dystrophy type 2O; Muscular dystrophy-dystroglycanopathy (congenital with impaired intellectual development), type B, 3. Last evaluated: 2021-06-23. Review status: criteria provided, single submitter. Criteria: Invitae Variant Classification Sherloc (09022015). Collection method: clinical testing. Allele origin: germline.
Comment: For these reasons, this variant has been classified as Pathogenic. This variant has not been reported in the literature in individuals with POMGNT1-related conditions. This variant is not present in population databases (ExAC no frequency). This sequence change creates a premature translational stop signal (p.Tyr541*) in the POMGNT1 gene. It is expected to result in an absent or disrupted protein product. Loss-of-function variants in POMGNT1 are known to be pathogenic (PMID: 19299310, 20816175, 21447391, 26908613, 27391550).

Revvity Omics, Revvity
Classification: Likely pathogenic. Last evaluated: 2021-05-18. Review status: criteria provided, single submitter. Criteria: ACMG Guidelines, 2015. Collection method: clinical testing. Allele origin: germline.

Literature cited by the submitters: PubMed 19299310 (cited by Labcorp Genetics (formerly Invitae), Labcorp); PubMed 20816175 (cited by Labcorp Genetics (formerly Invitae), Labcorp); PubMed 21447391 (cited by Labcorp Genetics (formerly Invitae), Labcorp); PubMed 26908613 (cited by Labcorp Genetics (formerly Invitae), Labcorp); PubMed 27391550 (cited by Labcorp Genetics (formerly Invitae), Labcorp).

NM_017739.4(POMGNT1):c.1623T>G (p.Tyr541Ter)

Genes: POMGNT1 (protein O-linked mannose N-acetylglucosaminyltransferase 1 (beta 1,2-); minus strand), TSPAN1 (tetraspanin 1; plus strand). Cytogenetic location: 1p34.1.
Variant type: single nucleotide variant.
Coding change: c.1623T>G on transcript NM_017739.4 (MANE Select); coding-DNA position 1623, T replaced by G.
Protein change: p.Tyr541Ter; replaces tyrosine 541 with a stop codon.
Molecular consequence: nonsense.
Genome position (GRCh38, 1-based): chr1:46,190,499, A>C on the plus strand (T>G on the coding strand, the complement: POMGNT1 is on the minus strand). VCF-style: chr1-46190499-A-C. GRCh37 (hg19) VCF-style: chr1-46656171-A-C.
Other names: c.1557T>G, p.Tyr519Ter (NM_001290129.3); c.1194T>G, p.Tyr398Ter (NM_001290130.2); c.1623T>G, p.Tyr541Ter (NM_001410783.1, NM_001243766.2); short protein forms Y398*, Y519*, Y541*.
Identifiers: ClinVar variation 1324951 (VCV001324951.9), dbSNP rs746196856, ClinGen allele CA340171807.
Genomic context (GRCh38, chr1:46,190,499, plus strand): 5'-CTCCCTGCTACACCCCAATTGTCCTAGGCCATACCTGAGCAGCCTGTGAACTTCCACTTC[A>C]TAAGCTTCTTTCTTCAGACTGAAGAGGAGGGAGAAATGGGTCAGGGGAGTGGGCAGGCCC-3'